The following is an entry in ClinVar:

NM_199420.4(POLQ):c.1955A>G (p.Tyr652Cys)

Gene: POLQ (DNA polymerase theta; minus strand). Cytogenetic location: 3q13.33.
Variant type: single nucleotide variant.
Coding change: c.1955A>G on transcript NM_199420.4 (MANE Select); coding-DNA position 1955, A replaced by G.
Protein change: p.Tyr652Cys; replaces tyrosine 652 with cysteine.
Molecular consequence: missense variant.
Genome position (GRCh38, 1-based): chr3:121,509,565, T>C on the plus strand (A>G on the coding strand, the complement: POLQ is on the minus strand). VCF-style: chr3-121509565-T-C. GRCh37 (hg19) VCF-style: chr3-121228412-T-C.
Other names: short protein forms Y652C.
Identifiers: ClinVar variation 2563765 (VCV002563765.2), dbSNP rs2546801941, ClinGen allele CA354112967.

ClinVar aggregate classification (germline): Uncertain significance (1 of 4 stars; one submission).

Submission:

Ambry Genetics
Classification: Uncertain significance. Last evaluated: 2023-03-19. Review status: criteria provided, single submitter. Criteria: Ambry Variant Classification Scheme 2023. Collection method: clinical testing. Allele origin: germline.
Comment: The p.Y652C variant (also known as c.1955A>G), located in coding exon 12 of the POLQ gene, results from an A to G substitution at nucleotide position 1955. The tyrosine at codon 652 is replaced by cysteine, an amino acid with highly dissimilar properties. This amino acid position is conserved. In addition, this alteration is predicted to be deleterious by in silico analysis. Since supporting evidence is limited at this time, the clinical significance of this alteration remains unclear.